The following is an entry in ClinVar:

ClinVar aggregate classification (germline): Pathogenic/Likely pathogenic. Review status: criteria provided, multiple submitters, no conflicts (2 of 4 stars). 8 submissions from 8 submitters: Pathogenic (6); Likely pathogenic (1). 1 of the submissions does not count toward it. Last evaluated 2025-10-29.

Conditions:
Deficiency of alpha-mannosidase (MANSA). Also called: Alpha-Mannosidosis; LYSOSOMAL ALPHA-D-MANNOSIDASE DEFICIENCY; Mannosidosis, alpha-, types I and II. Identifiers: Orphanet 61, MedGen C0024748, MONDO:0009561, OMIM 248500.

gnomAD v4.1: 16 of 1,607,890 alleles (0.001%); highest among the groups gnomAD compares: South Asian, 0.0022%; no homozygotes.

Submissions (8):

Natera, Inc.
Classification: Pathogenic for Alpha-mannosidosis. Last evaluated: 2025-10-29. Review status: criteria provided, single submitter. Criteria: Natera Variant Classification Schema (03/2026). Collection method: clinical testing. Allele origin: germline.
Comment: The c.418C>T variant in MAN2B1 is a nonsense variant predicted to introduce a stop codon at amino acid 140. This variant is expected to result in nonsense mediated decay, truncation, or a dysfunctional protein product. This variant is rare in the general population with a frequency below the threshold expected for the associated phenotype(s). This variant has been observed in one or more individuals affected with the associated recessive disease, as either homozygous or compound heterozygous with a second variant (PMID: 26048034, 29859105). Given the available evidence, this variant is classified as Pathogenic.

Labcorp Genetics (formerly Invitae), Labcorp
Classification: Pathogenic for Deficiency of alpha-mannosidase. Last evaluated: 2025-03-17. Review status: criteria provided, single submitter. Criteria: Invitae Variant Classification Sherloc (09022015). Collection method: clinical testing. Allele origin: germline.
Comment: This sequence change creates a premature translational stop signal (p.Arg140*) in the MAN2B1 gene. It is expected to result in an absent or disrupted protein product. Loss-of-function variants in MAN2B1 are known to be pathogenic (PMID: 9915946, 22161967). This variant is present in population databases (no rsID available, gnomAD 0.003%). This premature translational stop signal has been observed in individuals with mannosidosis (PMID: 22161967, 26048034). ClinVar contains an entry for this variant (Variation ID: 328281). For these reasons, this variant has been classified as Pathogenic.

North West Genomic Laboratory Hub, Manchester University NHS Foundation Trust
Classification: Pathogenic for Deficiency of alpha-mannosidase. Last evaluated: 2024-03-22. Review status: criteria provided, single submitter. Criteria: ACGS Best Practice Guidelines for Variant Classification in Rare Disease 2020. Collection method: clinical testing. Allele origin: germline. Affected: yes.
Comment: PM2_Mod PM3_Mod PVS1_VStr

Genome-Nilou Lab
Classification: Pathogenic for Deficiency of alpha-mannosidase. Last evaluated: 2021-09-05. Review status: criteria provided, single submitter. Criteria: ACMG Guidelines, 2015. Collection method: clinical testing. Allele origin: germline. Affected: no.

Women's Health and Genetics/Laboratory Corporation of America, LabCorp
Classification: Pathogenic for Deficiency of alpha-mannosidase. Last evaluated: 2018-11-26. Review status: criteria provided, single submitter. Criteria: LabCorp Variant Classification Summary - May 2015. Collection method: clinical testing. Allele origin: germline.
Comment: Variant summary: MAN2B1 c.418C>T (p.Arg140X) results in a premature termination codon, predicted to cause a truncation of the encoded protein or absence of the protein due to nonsense mediated decay, which are commonly known mechanisms for disease. The variant allele was found at a frequency of 1.7e-05 in 240946 control chromosomes (gnomAD). The variant, c.418C>T, has been reported in the literature in individuals affected with Alpha-Mannosidosis, in both compound heterozygotes and one homozygote (Borgwardt_2015, RiseStensland_2012). These data indicate that the variant is likely to be associated with disease. To our knowledge, no experimental evidence demonstrating an impact on protein function has been reported. Two clinical diagnostic laboratories have submitted clinical-significance assessments for this variant to ClinVar after 2014 without evidence for independent evaluation and classified the variant as pathogenic. Based on the evidence outlined above, the variant was classified as pathogenic.

Illumina Laboratory Services, Illumina
Classification: Likely pathogenic for Deficiency of alpha-mannosidase. Last evaluated: 2017-04-27. Review status: criteria provided, single submitter. Criteria: ICSL Variant Classification Criteria 09 May 2019. Collection method: clinical testing. Allele origin: germline.
Comment: The MAN2B1 c.418C>T (p.Arg140Ter) variant is a stop-gained variant and has been reported in at least two studies in which it is found in at least three individuals with alpha-mannosidosis including one in a homozygous state and two in a compound heterozygous state with a missense variant on the second allele (Stensland H et al. 2012; Borgwardt et al. 2015). Control data are unavailable for this variant and it is not found in the 1000 Genomes Project, the Exome Sequencing Project, or the Exome Aggregation Consortium. Due to the potential impact of stop-gained variants and evidence from the literature, the p.Arg140Ter variant is classified as likely pathogenic for alpha-mannosidosis. This variant was observed by ICSL as part of a predisposition screen in an ostensibly healthy population.

Equipe Genetique des Anomalies du Developpement, Université de Bourgogne
Classification: Pathogenic for Deficiency of alpha-mannosidase. Review status: criteria provided, single submitter. Criteria: ACMG Guidelines, 2007. Collection method: clinical testing. Allele origin: inherited. Affected: yes.

Counsyl
Classification: Pathogenic for Deficiency of alpha-mannosidase. Last evaluated: 2016-09-12. Review status: no assertion criteria provided. Collection method: clinical testing. Allele origin: unknown. Not counted in ClinVar's aggregate classification.

Literature cited by the submitters: PubMed 26048034 (cited by 3 submitters); PubMed 29859105 (cited by Natera, Inc.); PubMed 9915946 (cited by Labcorp Genetics (formerly Invitae), Labcorp); PubMed 22161967 (cited by 4 submitters).

NM_000528.4(MAN2B1):c.418C>T (p.Arg140Ter)

Gene: MAN2B1 (mannosidase alpha class 2B member 1; minus strand). Cytogenetic location: 19p13.13.
Variant type: single nucleotide variant.
Coding change: c.418C>T on transcript NM_000528.4 (MANE Select); coding-DNA position 418, C replaced by T.
Protein change: p.Arg140Ter; replaces arginine 140 with a stop codon.
Molecular consequence: nonsense.
Genome position (GRCh38, 1-based): chr19:12,665,370, G>A on the plus strand (C>T on the coding strand, the complement: MAN2B1 is on the minus strand). VCF-style: chr19-12665370-G-A. GRCh37 (hg19) VCF-style: chr19-12776184-G-A.
Other names: c.418C>T, p.Arg140Ter (NM_001173498.2); short protein forms R140*.
Identifiers: ClinVar variation 328281 (VCV000328281.28), dbSNP rs370803545, ClinGen allele CA10648318.
Genomic context (GRCh38, chr19:12,665,370, plus strand): 5'-TGGGCTGGGCTTCCTCTTTTCACTTCCTTGGGGTAGGCTCACCCTGGCGCACAAGGTCTC[G>A]CACGACTTCCTGTGTGGCATTTGTCTGCTGGTGCCACCAACGGGAGAAGAAGGCAATCTC-3'